The following is an entry in ClinVar:

NM_181703.4(GJA5):c.769A>G (p.Ile257Val)

Genes: GJA5 (gap junction protein alpha 5; minus strand), LOC122128420 (Sharpr-MPRA regulatory region 3144; plus strand). Cytogenetic location: 1q21.2.
Variant type: single nucleotide variant.
Coding change: c.769A>G on transcript NM_181703.4 (MANE Select); coding-DNA position 769, A replaced by G.
Protein change: p.Ile257Val; replaces isoleucine 257 with valine.
Molecular consequence: missense variant.
Genome position (GRCh38, 1-based): chr1:147,758,470, T>C on the plus strand (A>G on the coding strand, the complement: GJA5 is on the minus strand). VCF-style: chr1-147758470-T-C. GRCh37 (hg19) VCF-style: chr1-147230578-T-C.
Other names: c.769A>G, p.Ile257Val (NM_005266.7); short protein forms I257V.
Identifiers: ClinVar variation 2934256 (VCV002934256.3), dbSNP rs1553226871, ClinGen allele CA342394723.

ClinVar aggregate classification (germline): Uncertain significance (1 of 4 stars; one submission).

Conditions:
Atrial standstill 1 (ATRST1). Also called: Atrial standstill, digenic (GJA5/SCN5A); ATRIAL CARDIOMYOPATHY WITH HEART BLOCK; CARDIOMYOPATHY, FAMILIAL, WITH CONDUCTION DISTURBANCE. Identifiers: Orphanet 1344, MedGen C4551959, MONDO:0007171, OMIM 108770.
Atrial fibrillation, familial, 11 (ATFB11). Identifiers: MedGen C3279693, MONDO:0013544, OMIM 614049.

Allele frequency attached by ClinVar (database versions not stated): gnomAD exomes below 0.00001; TOPMed below 0.00001.

Submission:

Labcorp Genetics (formerly Invitae), Labcorp
Classification: Uncertain significance for Atrial fibrillation, familial, 11; Atrial standstill 1. Last evaluated: 2023-07-31. Review status: criteria provided, single submitter. Criteria: Invitae Variant Classification Sherloc (09022015). Collection method: clinical testing. Allele origin: germline.
Comment: In summary, the available evidence is currently insufficient to determine the role of this variant in disease. Therefore, it has been classified as a Variant of Uncertain Significance. Advanced modeling of protein sequence and biophysical properties (such as structural, functional, and spatial information, amino acid conservation, physicochemical variation, residue mobility, and thermodynamic stability) performed at Invitae indicates that this missense variant is not expected to disrupt GJA5 protein function. This variant has not been reported in the literature in individuals affected with GJA5-related conditions. This variant is present in population databases (no rsID available, gnomAD 0.006%). This sequence change replaces isoleucine, which is neutral and non-polar, with valine, which is neutral and non-polar, at codon 257 of the GJA5 protein (p.Ile257Val).